The following is an entry in ClinVar:

NM_000093.5(COL5A1):c.3353A>T (p.Glu1118Val)

Gene: COL5A1 (collagen type V alpha 1 chain; plus strand). Cytogenetic location: 9q34.3.
Variant type: single nucleotide variant.
Coding change: c.3353A>T on transcript NM_000093.5 (MANE Select); coding-DNA position 3353, A replaced by T.
Protein change: p.Glu1118Val; replaces glutamic acid 1118 with valine.
Molecular consequence: missense variant.
Genome position (GRCh38, 1-based): chr9:134,806,283, A>T. VCF-style: chr9-134806283-A-T. GRCh37 (hg19) VCF-style: chr9-137698129-A-T.
Other names: c.3353A>T, p.Glu1118Val (NM_001278074.1); short protein forms E1118V.
Identifiers: ClinVar variation 3023201 (VCV003023201.3), dbSNP rs1838295023, ClinGen allele CA375451798.

ClinVar aggregate classification (germline): Uncertain significance (1 of 4 stars; one submission).

Conditions:
Ehlers-Danlos syndrome, classic type, 1 (EDSCL1). Also called: EDS I; EHLERS-DANLOS SYNDROME, GRAVIS TYPE; EHLERS-DANLOS SYNDROME, SEVERE CLASSIC TYPE; Ehlers-Danlos syndrome, type 1; Ehlers-Danlos Syndrome, Classic Type, COL5A1-Related. Identifiers: MedGen C0268335, MONDO:0019567, OMIM 130000.

Allele frequency attached by ClinVar (database versions not stated): TOPMed below 0.00001.

Submission:

Labcorp Genetics (formerly Invitae), Labcorp
Classification: Uncertain significance for Ehlers-Danlos syndrome, classic type, 1. Last evaluated: 2024-01-15. Review status: criteria provided, single submitter. Criteria: Invitae Variant Classification Sherloc (09022015). Collection method: clinical testing. Allele origin: germline.
Comment: This sequence change replaces glutamic acid, which is acidic and polar, with valine, which is neutral and non-polar, at codon 1118 of the COL5A1 protein (p.Glu1118Val). This variant is not present in population databases (gnomAD no frequency). This variant has not been reported in the literature in individuals affected with COL5A1-related conditions. Advanced modeling of protein sequence and biophysical properties (such as structural, functional, and spatial information, amino acid conservation, physicochemical variation, residue mobility, and thermodynamic stability) performed at Invitae indicates that this missense variant is expected to disrupt COL5A1 protein function with a positive predictive value of 80%. In summary, the available evidence is currently insufficient to determine the role of this variant in disease. Therefore, it has been classified as a Variant of Uncertain Significance.